The following is an entry in ClinVar:

NM_000143.4(FH):c.1479A>G (p.Thr493=)

Gene: FH (fumarate hydratase; minus strand). Cytogenetic location: 1q43.
Variant type: single nucleotide variant.
Coding change: c.1479A>G on transcript NM_000143.4 (MANE Select); coding-DNA position 1479, A replaced by G.
Protein change: p.Thr493=; no amino-acid change (threonine 493 retained).
Molecular consequence: synonymous variant.
Genome position (GRCh38, 1-based): chr1:241,497,882, T>C on the plus strand (A>G on the coding strand, the complement: FH is on the minus strand). VCF-style: chr1-241497882-T-C. GRCh37 (hg19) VCF-style: chr1-241661182-T-C.
Identifiers: ClinVar variation 1140284 (VCV001140284.13), dbSNP rs755633330, ClinGen allele CA1478429.

ClinVar aggregate classification (germline): Conflicting classifications of pathogenicity. Review status: criteria provided, conflicting classifications (1 of 4 stars). 4 submissions from 4 submitters: Uncertain significance (1); Benign (1); Likely benign (2). Last evaluated 2025-12-14.

Conditions:
Hereditary cancer-predisposing syndrome. Also called: Tumor predisposition; Hereditary Cancer Syndrome; Hereditary neoplastic syndrome; Neoplastic Syndromes, Hereditary. Identifiers: Orphanet 140162, MedGen C0027672, MeSH D009386, MONDO:0015356.
Hereditary leiomyomatosis and renal cell cancer. Also called: MULTIPLE CUTANEOUS AND UTERINE LEIOMYOMATA 1, WITH OR WITHOUT RENAL CELL CARCINOMA; LEIOMYOMA, MULTIPLE CUTANEOUS; Familial leiomyomatosis; FH tumor predisposition syndrome; Reed syndrome; Multiple cutaneous and uterine leiomyomatosis. Identifiers: Orphanet 523, MedGen C1708350, MONDO:0007888, OMIM 150800, HP:0007437. Disease mechanism: loss of function.

Allele frequency attached by ClinVar (database versions not stated): gnomAD exomes below 0.00001; ExAC 0.00001; gnomAD 0.00001; TOPMed 0.00003.
gnomAD v4.1: 3 of 1,613,288 alleles (0.00019%); highest among the groups gnomAD compares: African/African-American, 0.0013%; no homozygotes.

Submissions (4):

Labcorp Genetics (formerly Invitae), Labcorp
Classification: Likely benign. Last evaluated: 2025-12-14. Review status: criteria provided, single submitter. Criteria: Invitae Variant Classification Sherloc (09022015). Collection method: clinical testing. Allele origin: germline.

Myriad Genetics, Inc.
Classification: Benign for Hereditary leiomyomatosis and renal cell cancer. Last evaluated: 2024-10-22. Review status: criteria provided, single submitter. Criteria: Myriad Autosomal Dominant, Autosomal Recessive and X-Linked Classification Criteria (2023). Collection method: clinical testing. Allele origin: unknown.
Comment: This variant is considered benign. This variant is a silent/synonymous amino acid change and it is not expected to impact splicing.

Sema4
Classification: Uncertain significance for Hereditary cancer-predisposing syndrome. Last evaluated: 2022-03-16. Review status: criteria provided, single submitter. Criteria: Sema4 Curation Guidelines. Collection method: curation. Allele origin: germline.
Comment: The FH c.1479A>G (p.T493=) variant has been reported in 1 individual with atypical uterine leiomyoma (PMID 31564060). This variant was observed in 1/16248 chromosomes in the African/African American population, according to the Genome Aggregation Database (PMID: 32461654). The variant has been reported in ClinVar (Variation ID 1140284). In silico tools that predict the effect of sequence changes on splicing suggest that this variant may impact splicing, though these predictions have not been confirmed by functional studies. The evidence is insufficient to meet ACMG/AMP criteria for classifying the variant as benign or pathogenic. Based on the current evidence available, this variant is interpreted as a variant of uncertain significance.

Ambry Genetics
Classification: Likely benign for Hereditary cancer-predisposing syndrome. Last evaluated: 2020-09-03. Review status: criteria provided, single submitter. Criteria: Ambry Variant Classification Scheme 2023. Collection method: clinical testing. Allele origin: germline.

Literature cited by the submitters: PubMed 31564060 (cited by Sema4).